The following is an entry in ClinVar:

NM_007374.3(SIX6):c.-161T>C

Genes: C14orf39 (chromosome 14 open reading frame 39; minus strand), SIX6 (SIX homeobox 6; plus strand). Cytogenetic location: 14q23.1.
Variant type: single nucleotide variant.
Coding change: c.-161T>C on transcript NM_007374.3 (MANE Select); 161 bases upstream of the start codon, T replaced by C.
Molecular consequence: 5 prime UTR variant.
Genome position (GRCh38, 1-based): chr14:60,509,238, T>C. VCF-style: chr14-60509238-T-C. GRCh37 (hg19) VCF-style: chr14-60975956-T-C.
Identifiers: ClinVar variation 313426 (VCV000313426.8), dbSNP rs1956558, ClinGen allele CA10640352.

ClinVar aggregate classification (germline): Benign. Review status: criteria provided, multiple submitters, no conflicts (2 of 4 stars). 3 submissions from 3 submitters: Benign (3). Last evaluated 2018-06-26.

Conditions:
Anophthalmia-microphthalmia syndrome. Also called: Anophthalmia/Microphthalmia; Anophthalmia - microphthalmia. Identifiers: Orphanet 98555, MedGen C5680330, MONDO:0020147.

Allele frequency attached by ClinVar (database versions not stated): 1000 Genomes Project 0.82488; 1000 Genomes Project 30x 0.82823; TOPMed 0.86459; gnomAD 0.87168 and 0.87468; gnomAD exomes 0.89429.
gnomAD v4.1: 589,418 of 663,008 alleles (89%); highest among the groups gnomAD compares: Non-Finnish European, 92%; 263,589 homozygotes.

Submissions (3):

GeneDx
Classification: Benign. Last evaluated: 2018-06-26. Review status: criteria provided, single submitter. Criteria: GeneDx Variant Classification Process June 2021. Collection method: clinical testing. Allele origin: germline. Affected: yes.

Illumina Laboratory Services, Illumina
Classification: Benign for Anophthalmia-microphthalmia syndrome. Last evaluated: 2018-01-12. Review status: criteria provided, single submitter. Criteria: ICSL Variant Classification Criteria 13 December 2019. Collection method: clinical testing. Allele origin: germline.
Comment: This variant was observed in the ICSL laboratory as part of a predisposition screen in an ostensibly healthy population. It had not been previously curated by ICSL or reported in the Human Gene Mutation Database (HGMD: prior to June 1st, 2018), and was therefore a candidate for classification through an automated scoring system. Utilizing variant allele frequency, disease prevalence and penetrance estimates, and inheritance mode, an automated score was calculated to assess if this variant is too frequent to cause the disease. Based on the score and internal cut-off values, a variant classified as benign is not then subjected to further curation. The score for this variant resulted in a classification of benign for this disease.

Breakthrough Genomics
Classification: Benign. Review status: criteria provided, single submitter. Criteria: ACMG Guidelines, 2015. Collection method: not provided. Allele origin: germline. Inheritance: Autosomal recessive inheritance. Affected: yes.